The following is an entry in ClinVar:

NM_001291303.3(FAT4):c.4114A>G (p.Ile1372Val)

Gene: FAT4 (FAT atypical cadherin 4; plus strand). Cytogenetic location: 4q28.1.
Variant type: single nucleotide variant.
Coding change: c.4114A>G on transcript NM_001291303.3 (MANE Select); coding-DNA position 4114, A replaced by G.
Protein change: p.Ile1372Val; replaces isoleucine 1372 with valine.
Molecular consequence: missense variant.
Genome position (GRCh38, 1-based): chr4:125,320,525, A>G. VCF-style: chr4-125320525-A-G. GRCh37 (hg19) VCF-style: chr4-126241680-A-G.
Other names: c.4114A>G, p.Ile1372Val (NM_001291285.3, NM_024582.6); short protein forms I1372V.
Identifiers: ClinVar variation 2446090 (VCV002446090.2), dbSNP rs2530448703, ClinGen allele CA358125710.

ClinVar aggregate classification (germline): Uncertain significance. Review status: criteria provided, multiple submitters, no conflicts (2 of 4 stars). 2 submissions from 2 submitters: Uncertain significance (2). Last evaluated 2025-03-22.

Conditions:
Inborn genetic diseases. Identifiers: MedGen C0950123, MeSH D030342.

Allele frequency attached by ClinVar (database versions not stated): gnomAD exomes below 0.00001.
gnomAD v4.1: 1 of 1,613,980 alleles (0.000062%); highest among the groups gnomAD compares: Non-Finnish European, 0.000085%; no homozygotes.

Submissions (2):

Ambry Genetics
Classification: Uncertain significance for Inborn genetic diseases. Last evaluated: 2025-03-22. Review status: criteria provided, single submitter. Criteria: Ambry Variant Classification Scheme 2023. Collection method: clinical testing. Allele origin: germline.

GeneDx
Classification: Uncertain significance. Last evaluated: 2022-09-17. Review status: criteria provided, single submitter. Criteria: GeneDx Variant Classification Process June 2021. Collection method: clinical testing. Allele origin: germline. Affected: yes.
Comment: Not observed at significant frequency in large population cohorts (gnomAD); In silico analysis supports that this missense variant does not alter protein structure/function; Has not been previously published as pathogenic or benign to our knowledge